The following is an entry in ClinVar:

ClinVar aggregate classification (germline): Uncertain significance (1 of 4 stars; one submission).

Conditions:
Hereditary cancer-predisposing syndrome. Also called: Hereditary Cancer Syndrome; Neoplastic Syndromes, Hereditary; Tumor predisposition; Hereditary neoplastic syndrome. Identifiers: Orphanet 140162, MedGen C0027672, MeSH D009386, MONDO:0015356.

Submission:

Ambry Genetics
Classification: Uncertain significance for Hereditary cancer-predisposing syndrome. Last evaluated: 2023-01-12. Review status: criteria provided, single submitter. Criteria: Ambry Variant Classification Scheme 2023. Collection method: clinical testing. Allele origin: germline.
Comment: The p.A34G variant (also known as c.101C>G), located in coding exon 1 of the CDKN2A gene, results from a C to G substitution at nucleotide position 101. The alanine at codon 34 is replaced by glycine, an amino acid with similar properties. This amino acid position is well conserved in available vertebrate species. In addition, this alteration is predicted to be tolerated by in silico analysis. Since supporting evidence is limited at this time, the clinical significance of this alteration remains unclear.

NM_000077.5(CDKN2A):c.101C>G (p.Ala34Gly)

Gene: CDKN2A (cyclin dependent kinase inhibitor 2A; minus strand). Cytogenetic location: 9p21.3.
Variant type: single nucleotide variant.
Coding change: c.101C>G on transcript NM_000077.5; coding-DNA position 101, C replaced by G.
Protein change: p.Ala34Gly; replaces alanine 34 with glycine.
Molecular consequence: missense variant (on NM_000077.6). On other transcripts: intron variant (2).
Genome position (GRCh38, 1-based): chr9:21,974,727, G>C on the plus strand (C>G on the coding strand, the complement: CDKN2A is on the minus strand). VCF-style: chr9-21974727-G-C. GRCh37 (hg19) VCF-style: chr9-21974726-G-C.
Other names: c.101C>G, p.Ala34Gly (NM_000077.6, NM_001195132.2, NM_058197.5); c.-3-3519C>G (NM_001363763.2); c.194-3519C>G (NM_058195.4); short protein forms A34G.
Identifiers: ClinVar variation 2449061 (VCV002449061.2), dbSNP rs1554656344, ClinGen allele CA373086559.